The following is an entry in ClinVar:

ClinVar aggregate classification (germline): Uncertain significance (1 of 4 stars; one submission).

Conditions:
Deficiency of alpha-mannosidase (MANSA). Also called: Alpha-Mannosidosis; Mannosidosis, alpha-, types I and II; LYSOSOMAL ALPHA-D-MANNOSIDASE DEFICIENCY. Identifiers: Orphanet 61, MedGen C0024748, MONDO:0009561, OMIM 248500.

Allele frequency attached by ClinVar (database versions not stated): gnomAD exomes below 0.00001.
gnomAD v4.1: 1 of 1,559,130 alleles (0.000064%); highest among the groups gnomAD compares: Non-Finnish European, 0.000087%; no homozygotes.

Submission:

Labcorp Genetics (formerly Invitae), Labcorp
Classification: Uncertain significance for Deficiency of alpha-mannosidase. Last evaluated: 2022-04-18. Review status: criteria provided, single submitter. Criteria: Invitae Variant Classification Sherloc (09022015). Collection method: clinical testing. Allele origin: germline.
Comment: This sequence change replaces asparagine, which is neutral and polar, with serine, which is neutral and polar, at codon 437 of the MAN2B1 protein (p.Asn437Ser). This variant is not present in population databases (gnomAD no frequency). This variant has not been reported in the literature in individuals affected with MAN2B1-related conditions. Algorithms developed to predict the effect of missense changes on protein structure and function (SIFT, PolyPhen-2, Align-GVGD) all suggest that this variant is likely to be tolerated. Algorithms developed to predict the effect of sequence changes on RNA splicing suggest that this variant may create or strengthen a splice site. In summary, the available evidence is currently insufficient to determine the role of this variant in disease. Therefore, it has been classified as a Variant of Uncertain Significance.

NM_000528.4(MAN2B1):c.1310A>G (p.Asn437Ser)

Gene: MAN2B1 (mannosidase alpha class 2B member 1; minus strand). Cytogenetic location: 19p13.13.
Variant type: single nucleotide variant.
Coding change: c.1310A>G on transcript NM_000528.4 (MANE Select); coding-DNA position 1310, A replaced by G.
Protein change: p.Asn437Ser; replaces asparagine 437 with serine.
Molecular consequence: missense variant.
Genome position (GRCh38, 1-based): chr19:12,657,555, T>C on the plus strand (A>G on the coding strand, the complement: MAN2B1 is on the minus strand). VCF-style: chr19-12657555-T-C. GRCh37 (hg19) VCF-style: chr19-12768369-T-C.
Other names: c.1307A>G, p.Asn436Ser (NM_001173498.2); short protein forms N436S, N437S.
Identifiers: ClinVar variation 2415238 (VCV002415238.3), dbSNP rs2512501798, ClinGen allele CA404247073.